The following is an entry in ClinVar:

NM_013352.4(DSE):c.2548A>G (p.Ile850Val)

Gene: DSE (dermatan sulfate epimerase; plus strand). Cytogenetic location: 6q22.1.
Variant type: single nucleotide variant.
Coding change: c.2548A>G on transcript NM_013352.4 (MANE Select); coding-DNA position 2548, A replaced by G.
Protein change: p.Ile850Val; replaces isoleucine 850 with valine.
Molecular consequence: missense variant. On other transcripts: 3 prime UTR variant (2), non-coding transcript variant (1).
Genome position (GRCh38, 1-based): chr6:116,437,016, A>G. VCF-style: chr6-116437016-A-G. GRCh37 (hg19) VCF-style: chr6-116758179-A-G.
Other names: c.2548A>G, p.Ile850Val (NM_001080976.3, NM_001322937.2, NM_001322938.2); c.2605A>G, p.Ile869Val (NM_001322939.2); c.1987A>G, p.Ile663Val (NM_001322940.2, NM_001322941.2); c.*1413A>G (NM_001322943.2, NM_001322944.2); c.1549A>G, p.Ile517Val (NM_001374520.1); c.1513A>G, p.Ile505Val (NM_001374521.1); short protein forms I505V, I517V, I663V, I850V, I869V.
Identifiers: ClinVar variation 4848902 (VCV004848902.1).

ClinVar aggregate classification (germline): Uncertain significance (1 of 4 stars; one submission).

gnomAD v4.1: 6 of 1,614,170 alleles (0.00037%); highest among the groups gnomAD compares: South Asian, 0.0011%; no homozygotes.

Submission:

Women's Health and Genetics/Laboratory Corporation of America, LabCorp
Classification: Uncertain significance. Last evaluated: 2026-04-05. Review status: criteria provided, single submitter. Criteria: LabCorp Variant Classification Summary - May 2015. Collection method: clinical testing. Allele origin: germline.
Comment: Variant summary: DSE c.2548A>G (p.Ile850Val) results in a conservative amino acid change in the encoded protein sequence. Algorithms developed to predict the effect of missense changes on protein structure and function are either unavailable or do not agree on the potential impact of this missense change. The variant allele was found at a frequency of 4e-06 in 250926 control chromosomes. The available data on variant occurrences in the general population are insufficient to allow any conclusion about variant significance. To our knowledge, no occurrence of c.2548A>G in individuals affected with DSE-related conditions and no experimental evidence demonstrating its impact on protein function have been reported. No submitters have cited clinical-significance assessments for this variant to ClinVar. Based on the evidence outlined above, the variant was classified as uncertain significance.